The following is an entry in ClinVar:

NM_000365.6(TPI1):c.426G>T (p.Lys142Asn)

Gene: TPI1 (triosephosphate isomerase 1; plus strand). Cytogenetic location: 12p13.31.
Variant type: single nucleotide variant.
Coding change: c.426G>T on transcript NM_000365.6 (MANE Select); coding-DNA position 426, G replaced by T.
Protein change: p.Lys142Asn; replaces lysine 142 with asparagine.
Molecular consequence: missense variant.
Genome position (GRCh38, 1-based): chr12:6,869,359, G>T. VCF-style: chr12-6869359-G-T. GRCh37 (hg19) VCF-style: chr12-6978523-G-T.
Other names: c.537G>T, p.Lys179Asn (NM_001159287.1); c.180G>T, p.Lys60Asn (NM_001258026.2); short protein forms K179N, K60N, K142N.
Identifiers: ClinVar variation 1357374 (VCV001357374.3), dbSNP rs1431930557, ClinGen allele CA383711851.

ClinVar aggregate classification (germline): Uncertain significance (1 of 4 stars; one submission).

Allele frequency attached by ClinVar (database versions not stated): gnomAD exomes below 0.00001.

Submission:

Labcorp Genetics (formerly Invitae), Labcorp
Classification: Uncertain significance. Last evaluated: 2022-07-12. Review status: criteria provided, single submitter. Criteria: Invitae Variant Classification Sherloc (09022015). Collection method: clinical testing. Allele origin: germline.
Comment: This sequence change replaces lysine, which is basic and polar, with asparagine, which is neutral and polar, at codon 142 of the TPI1 protein (p.Lys142Asn). This variant is present in population databases (no rsID available, gnomAD 0.0009%). This variant has not been reported in the literature in individuals affected with TPI1-related conditions. ClinVar contains an entry for this variant (Variation ID: 1357374). Algorithms developed to predict the effect of missense changes on protein structure and function are either unavailable or do not agree on the potential impact of this missense change (SIFT: "Tolerated"; PolyPhen-2: "Possibly Damaging"; Align-GVGD: "Class C0"). In summary, the available evidence is currently insufficient to determine the role of this variant in disease. Therefore, it has been classified as a Variant of Uncertain Significance.